The following is an entry in ClinVar:

ClinVar aggregate classification (germline): Conflicting classifications of pathogenicity. Review status: criteria provided, conflicting classifications (1 of 4 stars). 2 submissions from 2 submitters: Likely pathogenic (1); Uncertain significance (1). Last evaluated 2023-05-17.

Conditions:
Spinocerebellar ataxia type 42. Identifiers: Orphanet 458803, MedGen C4225205, MONDO:0014776, OMIM 616795.

Allele frequency attached by ClinVar (database versions not stated): gnomAD 0.00001; gnomAD exomes 0.00001; ExAC 0.00002; TOPMed 0.00002; ESP Exome Variant Server 0.00016.
gnomAD v4.1: 4 of 1,613,410 alleles (0.00025%); highest among the groups gnomAD compares: Non-Finnish European, 0.00034%; no homozygotes.

Submissions (2):

GeneDx
Classification: Uncertain significance. Last evaluated: 2023-05-17. Review status: criteria provided, single submitter. Criteria: GeneDx Variant Classification Process June 2021. Collection method: clinical testing. Allele origin: germline. Affected: yes.
Comment: Reported in an individual with late onset spinocerebellar ataxia (Galatolo et al., 2021); Not observed at significant frequency in large population cohorts (gnomAD); In silico analysis supports that this missense variant does not alter protein structure/function; This variant is associated with the following publications: (PMID: 34445196)

Molecular Medicine for Neurodegenerative and Neuromuscular Diseases Unit, IRCCS Fondazione Stella Maris
Classification: Likely pathogenic for Spinocerebellar ataxia type 42. Last evaluated: 2021-01-04. Review status: criteria provided, single submitter. Criteria: ACMG Guidelines, 2015. Collection method: research. Allele origin: unknown. Affected: yes.

NM_018896.5(CACNA1G):c.481A>T (p.Ile161Phe)

Gene: CACNA1G (calcium voltage-gated channel subunit alpha1 G; plus strand). Cytogenetic location: 17q21.33.
Variant type: single nucleotide variant.
Coding change: c.481A>T on transcript NM_018896.5 (MANE Select); coding-DNA position 481, A replaced by T.
Protein change: p.Ile161Phe; replaces isoleucine 161 with phenylalanine.
Molecular consequence: missense variant. On other transcripts: non-coding transcript variant (5).
Genome position (GRCh38, 1-based): chr17:50,569,291, A>T. VCF-style: chr17-50569291-A-T. GRCh37 (hg19) VCF-style: chr17-48646652-A-T.
Other names: c.481A>T, p.Ile161Phe (NM_001256324.2, NM_001256325.2, NM_001256326.2 and 24 more transcripts); c.481A>T (NM_018896.4); short protein forms I161F.
Identifiers: ClinVar variation 1027470 (VCV001027470.2), dbSNP rs368561457, ClinGen allele CA8651957.